The following is an entry in ClinVar:

ClinVar aggregate classification (germline): Pathogenic. Review status: criteria provided, multiple submitters, no conflicts (2 of 4 stars). 10 submissions from 10 submitters: Pathogenic (9). 1 of the submissions does not count toward it. Last evaluated 2026-02-24.

Conditions:
PKD2-related disorder. Also called: PKD2-related condition.
Autosomal dominant polycystic kidney disease. Identifiers: Orphanet 730, MedGen C0085413, MONDO:0004691.
Polycystic kidney disease 2 (PKD2). Also called: POLYCYSTIC KIDNEY DISEASE 2 WITH OR WITHOUT POLYCYSTIC LIVER DISEASE; Polycystic Kidney Disease 2, Autosomal Dominant; POLYCYSTIC KIDNEY DISEASE, ADULT, TYPE II. Identifiers: MedGen C2751306, MONDO:0013131, OMIM 613095.
Polycystic kidney disease. Also called: Polycystic kidney dysplasia; Kidney, Polycystic. Identifiers: MedGen C0022680, MeSH D007690, MONDO:0020642, HP:0000113.

Allele frequency attached by ClinVar (database versions not stated): gnomAD exomes below 0.00001 and 0.00001; ExAC 0.00001; gnomAD 0.00001; TOPMed 0.00002; ESP Exome Variant Server 0.00008.
gnomAD v4.1: 5 of 1,613,878 alleles (0.00031%); highest among the groups gnomAD compares: Admixed American, 0.0033%; no homozygotes.

Submissions (10):

PreventionGenetics, part of Exact Sciences
Classification: Pathogenic for PKD2-related condition. Last evaluated: 2026-02-24. Review status: criteria provided, single submitter. Criteria: ACMG Guidelines, 2015. Collection method: clinical testing. Allele origin: germline.
Comment: The PKD2 c.2533C>T variant is predicted to result in premature protein termination (p.Arg845*). This variant has been reported to be pathogenic for autosomal dominant polycystic kidney disease (ADPKD) (see for example, Torra et al. 2000. PubMed ID: 11007674; Virzì et al. 2014. PubMed ID: 24658975). This variant is reported in 0.0058% of alleles in individuals of Latino descent in gnomAD. Nonsense variants in PKD2 are expected to be pathogenic. This variant is interpreted as pathogenic.

Victorian Clinical Genetics Services, Murdoch Childrens Research Institute
Classification: Pathogenic for Polycystic kidney disease 2. Last evaluated: 2025-08-29. Review status: criteria provided, single submitter. Criteria: ACMG Guidelines, 2015. Collection method: clinical testing. Allele origin: germline. Affected: yes.
Comment: This variant is classified as Pathogenic. Evidence in support of pathogenic classification: Variant is predicted to cause nonsense-mediated decay (NMD) and loss of protein (premature termination codon is located at least 54 nucleotides upstream of the final exon-exon junction); Variant is present in gnomAD <0.001 for a dominant condition (v4: 5 heterozygote(s), 0 homozygote(s)); This variant has strong previous evidence of pathogenicity in unrelated individuals. This variant has been classified as pathogenic by clinical laboratories in ClinVar, and reported in the literature in individuals with ADPKD (PMIDs: 22863349, 24658975); Other NMD-predicted variants comparable to the one identified in this case have very strong previous evidence for pathogenicity (DECIPHER). Additional information: This variant is heterozygous; This gene is associated with autosomal dominant disease; Loss of function is a known mechanism of disease in this gene and is associated with polycystic kidney disease 2 (MIM#613095); Inheritance information for this variant is not currently available in this individual.

Fulgent Genetics
Classification: Pathogenic for Polycystic kidney disease 2. Last evaluated: 2024-02-25. Review status: criteria provided, single submitter. Criteria: ACMG Guidelines, 2015. Collection method: clinical testing. Allele origin: germline.

Blueprint Genetics
Classification: Pathogenic for PKD2-related disorders. Last evaluated: 2023-07-11. Review status: criteria provided, single submitter. Criteria: ACMG Guidelines, 2015. Collection method: clinical testing. Allele origin: germline. Affected: yes. Observed: 2 variant alleles.

Labcorp Genetics (formerly Invitae), Labcorp
Classification: Pathogenic for Autosomal dominant polycystic kidney disease. Last evaluated: 2022-09-27. Review status: criteria provided, single submitter. Criteria: Invitae Variant Classification Sherloc (09022015). Collection method: clinical testing. Allele origin: germline.
Comment: For these reasons, this variant has been classified as Pathogenic. ClinVar contains an entry for this variant (Variation ID: 523770). This premature translational stop signal has been observed in individual(s) with clinical features of polycystic kidney disease (PMID: 11007674, 24658975). It has also been observed to segregate with disease in related individuals. This variant is present in population databases (rs369678636, gnomAD 0.006%). This sequence change creates a premature translational stop signal (p.Arg845*) in the PKD2 gene. It is expected to result in an absent or disrupted protein product. Loss-of-function variants in PKD2 are known to be pathogenic (PMID: 17582161, 22863349).

GeneDx
Classification: Pathogenic. Last evaluated: 2022-02-24. Review status: criteria provided, single submitter. Criteria: GeneDx Variant Classification Process June 2021. Collection method: clinical testing. Allele origin: germline. Affected: yes.
Comment: Nonsense variant predicted to result in protein truncation or nonsense mediated decay in a gene for which loss-of-function is a known mechanism of disease; This variant is associated with the following publications: (PMID: 25525159, 33532864, 24658975, 30369598, 27782177, 22863349, 11007674, 22008521, 22383692, 11438989, 22508176)

Molecular Biology Laboratory, Fundació Puigvert
Classification: Pathogenic for Polycystic kidney disease 2. Last evaluated: 2020-02-01. Review status: criteria provided, single submitter. Criteria: ACMG Guidelines, 2015. Collection method: research. Allele origin: paternal. Affected: yes. Study: KidneyPanel_2020.

Gharavi Laboratory, Columbia University
Classification: Pathogenic. Last evaluated: 2018-09-16. Review status: criteria provided, single submitter. Criteria: ACMG Guidelines, 2015. Collection method: research. Allele origin: germline. Affected: yes.

Juno Genomics, Hangzhou Juno Genomics, Inc
Classification: Pathogenic for Polycystic kidney disease 2. Review status: criteria provided, single submitter. Criteria: ACMG Guidelines, 2015. Collection method: clinical testing. Allele origin: germline. Affected: yes.
Comment: Absent from controls (or at extremely low frequency if recessive) in Genome Aggregation Database, Exome Sequencing Project, 1000 Genomes Project, or Exome Aggregation Consortium.;The prevalence of the variant in affected individuals is significantly increased compared to the prevalence in controls.;Co-segregation with disease in multiple affected family members in a gene definitively known to cause the disease.;Null variant in a gene where loss of function (LOF) is a known mechanism of disease.

Department of Pathology and Laboratory Medicine, Sinai Health System
Classification: Pathogenic for Polycystic Kidney disease. Review status: no assertion criteria provided. Collection method: clinical testing. Allele origin: unknown. Affected: yes. Study: The Canadian Open Genetics Repository (COGR). Not counted in ClinVar's aggregate classification.
Comment: The PKD2 p.Arg845* variant was identified in 11 of 458 proband chromosomes (frequency: 0.02) from individuals or families with Autosomal Dominant Polycystic Kidney Disease (Virzi 2014, Robinson 2012, Magistroni 2003). The variant was also identified in dbSNP (ID: rs369678636) as â€šÃ„ÃºNAâ€šÃ„Ã¹, ClinVar (classified as pathogenic by GeneDx and Gharavi Laboratory, Columbia University), and in ADPKD Mutation Database (as definitely pathogenic). The variant was identified in control databases in 3 of 245930 chromosomes at a frequency of 0.00001 (Genome Aggregation Database Feb 27, 2017). The variant was observed in the following populations: Latino in 2 of 33574 chromosomes (freq: 0.00006), European in 1 of 111414 chromosomes (freq: 0.000009), while the variant was not observed in the African, Ashkenazi Jewish, East Asian, Finnish, Other, and South Asian populations. The variant was not identified in PKD2-LOVD. The variant was reported as a possible founder mutation in the Italian population by Virzi 2014. The c.2533C>T variant leads to a premature stop codon at position 845, which is predicted to lead to a truncated or absent protein and loss of function. Loss of function variants of the PKD2 gene are an established mechanism of disease in autosomal dominant polycystic kidney disease and is the type of variant expected to cause the disorder. In summary, based on the above information, this variant meets our laboratoryâ€šÃ„Ã´s criteria to be classified as pathogenic.

Literature cited by the submitters: PubMed 24658975 (cited by Victorian Clinical Genetics Services, Murdoch Childrens Research Institute and Labcorp Genetics (formerly Invitae), Labcorp); PubMed 22863349 (cited by Victorian Clinical Genetics Services, Murdoch Childrens Research Institute and Labcorp Genetics (formerly Invitae), Labcorp); PubMed 11007674 (cited by Labcorp Genetics (formerly Invitae), Labcorp); PubMed 17582161 (cited by Labcorp Genetics (formerly Invitae), Labcorp); PubMed 33532864 (cited by Molecular Biology Laboratory, Fundació Puigvert).

NM_000297.4(PKD2):c.2533C>T (p.Arg845Ter)

Gene: PKD2 (polycystin 2, transient receptor potential cation channel; plus strand). Cytogenetic location: 4q22.1.
Variant type: single nucleotide variant.
Coding change: c.2533C>T on transcript NM_000297.4 (MANE Select); coding-DNA position 2533, C replaced by T.
Protein change: p.Arg845Ter; replaces arginine 845 with a stop codon.
Molecular consequence: nonsense. On other transcripts: non-coding transcript variant (1).
Genome position (GRCh38, 1-based): chr4:88,074,822, C>T. VCF-style: chr4-88074822-C-T. GRCh37 (hg19) VCF-style: chr4-88995974-C-T.
Other names: short protein forms R845*.
Identifiers: ClinVar variation 523770 (VCV000523770.25), dbSNP rs369678636, ClinGen allele CA3004284.